The following is an entry in ClinVar:

NM_020806.5(GPHN):c.1827G>A (p.Met609Ile)

Gene: GPHN (gephyrin; plus strand). Cytogenetic location: 14q23.3.
Variant type: single nucleotide variant.
Coding change: c.1827G>A on transcript NM_020806.5 (MANE Select); coding-DNA position 1827, G replaced by A.
Protein change: p.Met609Ile; replaces methionine 609 with isoleucine.
Molecular consequence: missense variant.
Genome position (GRCh38, 1-based): chr14:67,143,440, G>A. VCF-style: chr14-67143440-G-A. GRCh37 (hg19) VCF-style: chr14-67610157-G-A.
Other names: c.1728G>A, p.Met576Ile (NM_001024218.2); c.1887G>A, p.Met629Ile (NM_001377514.1); c.1857G>A, p.Met619Ile (NM_001377515.1); c.1848G>A, p.Met616Ile (NM_001377516.1); c.1800G>A, p.Met600Ile (NM_001377517.1); c.1785G>A, p.Met595Ile (NM_001377518.1); c.1767G>A, p.Met589Ile (NM_001377519.1); short protein forms M595I, M600I, M619I, M576I, M609I, M616I, M589I, M629I.
Identifiers: ClinVar variation 1443947 (VCV001443947.6), dbSNP rs1241162359, ClinGen allele CA390259657.

ClinVar aggregate classification (germline): Uncertain significance (1 of 4 stars; one submission).

Conditions:
Sulfite oxidase deficiency due to molybdenum cofactor deficiency type C. Also called: Molybdenum cofactor deficiency C; Molybdenum cofactor deficiency, complementation group C. Identifiers: Orphanet 308400, Orphanet 833, MedGen C1854990, MONDO:0014212, OMIM 615501.

Allele frequency attached by ClinVar (database versions not stated): gnomAD exomes below 0.00001; gnomAD 0.00001; TOPMed 0.00001.
gnomAD v4.1: 6 of 1,583,114 alleles (0.00038%); highest among the groups gnomAD compares: Non-Finnish European, 0.00052%; no homozygotes.

Submission:

Labcorp Genetics (formerly Invitae), Labcorp
Classification: Uncertain significance for Sulfite oxidase deficiency due to molybdenum cofactor deficiency type C. Last evaluated: 2022-08-22. Review status: criteria provided, single submitter. Criteria: Invitae Variant Classification Sherloc (09022015). Collection method: clinical testing. Allele origin: germline.
Comment: In summary, the available evidence is currently insufficient to determine the role of this variant in disease. Therefore, it has been classified as a Variant of Uncertain Significance. Algorithms developed to predict the effect of sequence changes on RNA splicing suggest that this variant may create or strengthen a splice site. Algorithms developed to predict the effect of missense changes on protein structure and function are either unavailable or do not agree on the potential impact of this missense change (SIFT: "Deleterious"; PolyPhen-2: "Possibly Damaging"; Align-GVGD: "Class C0"). ClinVar contains an entry for this variant (Variation ID: 1443947). This variant has not been reported in the literature in individuals affected with GPHN-related conditions. This variant is present in population databases (no rsID available, gnomAD 0.0009%). This sequence change replaces methionine, which is neutral and non-polar, with isoleucine, which is neutral and non-polar, at codon 609 of the GPHN protein (p.Met609Ile).